The following is an entry in ClinVar:

ClinVar aggregate classification (germline): Uncertain significance. Review status: criteria provided, single submitter (1 of 4 stars). 2 submissions from 2 submitters: Uncertain significance (1). 1 of the submissions does not count toward it. Last evaluated 2017-07-31.

Conditions:
Cornelia de Lange syndrome 5 (CDLS5). Also called: HDAC8-Related Cornelia de Lange Syndrome. Identifiers: Orphanet 199, MedGen C3550903, MONDO:0010471, OMIM 300882.

Submissions (4):

Labcorp Genetics (formerly Invitae), Labcorp
Classification: Uncertain significance for Cornelia de Lange syndrome 5. Last evaluated: 2017-07-31. Review status: criteria provided, single submitter. Criteria: Invitae Variant Classification Sherloc (09022015). Collection method: clinical testing. Allele origin: germline.
Comment: This sequence change affects an acceptor splice site in the last intron (intron 10) of the HDAC8 gene. While this is not anticipated to result in nonsense mediated decay, it likely alters RNA splicing and results in a disrupted protein product. In summary, the available evidence is currently insufficient to determine the role of this variant in disease. Therefore, it has been classified as a Variant of Uncertain Significance. Nucleotide substitutions within the consensus splice site are a relatively common cause of aberrant splicing (PMID: 17576681, 9536098). Algorithms developed to predict the effect of sequence changes on RNA splicing suggest that this variant may disrupt the consensus splice site, but this prediction has not been confirmed by published transcriptional studies. This variant has not been reported in the literature in individuals with HDAC8-related disease. This variant is not present in population databases (ExAC no frequency).

Institute of Human Genetics, University of Goettingen
Classification: Likely pathogenic for Cornelia de Lange syndrome 5. Last evaluated: 2017-05-31. Review status: no assertion criteria provided. Collection method: clinical testing. Allele origin: germline. Affected: yes. Observed: 1 variant allele, 1 heterozygote. Not counted in ClinVar's aggregate classification.

Dr. Peter K. Rogan Lab, Western University
No classification provided (evidence only). Condition: Nonpapillary renal cell carcinoma. Review status: no classification provided. Collection method: in vitro. Allele origin: not applicable. Functional consequence: retained intron. Not counted in ClinVar's aggregate classification.

Dr. Peter K. Rogan Lab, Western University
No classification provided (evidence only). Condition: Nonpapillary renal cell carcinoma. Review status: no classification provided. Collection method: in vitro. Allele origin: not applicable. Functional consequence: retained intron. Not counted in ClinVar's aggregate classification.

Literature cited by the submitters: PubMed 17576681 (cited by Labcorp Genetics (formerly Invitae), Labcorp); PubMed 9536098 (cited by Labcorp Genetics (formerly Invitae), Labcorp).

NM_018486.3(HDAC8):c.1112-2A>G

Gene: HDAC8 (histone deacetylase 8; minus strand). Cytogenetic location: Xq13.1.
Variant type: single nucleotide variant.
Coding change: c.1112-2A>G on transcript NM_018486.3 (MANE Select); the canonical splice acceptor site of the intron before coding-DNA position 1112, A replaced by G.
Molecular consequence: splice acceptor variant.
Genome position (GRCh38, 1-based): chrX:72,330,078, T>C on the plus strand (A>G on the coding strand, the complement: HDAC8 is on the minus strand). VCF-style: chrX-72330078-T-C. GRCh37 (hg19) VCF-style: chrX-71549928-T-C.
Other names: c.839-2A>G (NM_001166418.2); c.917-2A>G (NM_001410728.1); c.1034-2A>G (NM_001410727.1); c.1190-2A>G (NM_001410725.1).
Identifiers: ClinVar variation 430582 (VCV000430582.10), dbSNP rs1131690790, ClinGen allele CA413638311.